The following is an entry in ClinVar:

ClinVar aggregate classification (germline): Uncertain significance. Review status: criteria provided, multiple submitters, no conflicts (2 of 4 stars). 4 submissions from 4 submitters: Uncertain significance (4). Last evaluated 2025-11-17.

Conditions:
Episodic ataxia type 1 (EA1). Also called: ATAXIA, EPISODIC, WITH MYOKYMIA; PAROXYSMAL ATAXIA WITH NEUROMYOTONIA, HEREDITARY; MYOKYMIA WITH PERIODIC ATAXIA; Episodic ataxia/myokymia syndrome. Identifiers: Orphanet 37612, Orphanet 972, MedGen C1719788, MONDO:0008047, OMIM 160120.
Inborn genetic diseases. Identifiers: MedGen C0950123, MeSH D030342.

Allele frequency attached by ClinVar (database versions not stated): ExAC 0.00001; gnomAD 0.00001; gnomAD exomes 0.00001 and 0.00002; TOPMed 0.00002.
gnomAD v4.1: 9 of 1,613,674 alleles (0.00056%); highest among the groups gnomAD compares: Admixed American, 0.012%; no homozygotes.

Submissions (4):

Labcorp Genetics (formerly Invitae), Labcorp
Classification: Uncertain significance for Episodic ataxia type 1. Last evaluated: 2025-11-17. Review status: criteria provided, single submitter. Criteria: Invitae Variant Classification Sherloc (09022015). Collection method: clinical testing. Allele origin: germline.
Comment: This sequence change replaces tyrosine, which is neutral and polar, with histidine, which is basic and polar, at codon 159 of the KCNA1 protein (p.Tyr159His). This variant is present in population databases (rs764645312, gnomAD 0.01%). This variant has not been reported in the literature in individuals affected with KCNA1-related conditions. ClinVar contains an entry for this variant (Variation ID: 586091). Invitae Evidence Modeling of protein sequence and biophysical properties (such as structural, functional, and spatial information, amino acid conservation, physicochemical variation, residue mobility, and thermodynamic stability) has been performed for this missense variant. However, the output from this modeling did not meet the statistical confidence thresholds required to predict the impact of this variant on KCNA1 protein function. In summary, the available evidence is currently insufficient to determine the role of this variant in disease. Therefore, it has been classified as a Variant of Uncertain Significance.

Ambry Genetics
Classification: Uncertain significance for Inborn genetic diseases. Last evaluated: 2025-09-04. Review status: criteria provided, single submitter. Criteria: Ambry Variant Classification Scheme 2023. Collection method: clinical testing. Allele origin: germline.

Women's Health and Genetics/Laboratory Corporation of America, LabCorp
Classification: Uncertain significance. Last evaluated: 2024-12-10. Review status: criteria provided, single submitter. Criteria: LabCorp Variant Classification Summary - May 2015. Collection method: clinical testing. Allele origin: germline.
Comment: Variant summary: KCNA1 c.475T>C (p.Tyr159His) results in a conservative amino acid change in the encoded protein sequence. Four of five in-silico tools predict a benign effect of the variant on protein function. The variant allele was found at a frequency of 1.6e-05 in 251180 control chromosomes. The available data on variant occurrences in the general population are insufficient to allow any conclusion about variant significance. To our knowledge, no occurrence of c.475T>C in individuals affected with Episodic Ataxia Type 1 and no experimental evidence demonstrating its impact on protein function have been reported. ClinVar contains an entry for this variant (Variation ID: 586091). Based on the evidence outlined above, the variant was classified as uncertain significance.

Athena Diagnostics
Classification: Uncertain significance. Last evaluated: 2017-12-18. Review status: criteria provided, single submitter. Criteria: Athena Diagnostics Criteria. Collection method: clinical testing. Allele origin: germline.

NM_000217.3(KCNA1):c.475T>C (p.Tyr159His)

Gene: KCNA1 (potassium voltage-gated channel subfamily A member 1; plus strand). Cytogenetic location: 12p13.32.
Variant type: single nucleotide variant.
Coding change: c.475T>C on transcript NM_000217.3 (MANE Select); coding-DNA position 475, T replaced by C.
Protein change: p.Tyr159His; replaces tyrosine 159 with histidine.
Molecular consequence: missense variant.
Genome position (GRCh38, 1-based): chr12:4,911,853, T>C. VCF-style: chr12-4911853-T-C. GRCh37 (hg19) VCF-style: chr12-5021019-T-C.
Other names: short protein forms Y159H.
Identifiers: ClinVar variation 586091 (VCV000586091.11), dbSNP rs764645312, ClinGen allele CA6399392.
Genomic context (GRCh38, chr12:4,911,853, plus strand): 5'-GAGGAGGAGCGCCCTCTGCCCGAGAAGGAGTACCAGCGCCAGGTGTGGCTGCTCTTCGAG[T>C]ACCCCGAGAGCTCGGGGCCCGCCAGGGTCATCGCCATCGTCTCCGTCATGGTCATCCTCA-3'
Protein context (NP_000208.2, residues 149-169): YQRQVWLLFE[Tyr159His]PESSGPARVI